The following is an entry in ClinVar:

NM_015662.3(IFT172):c.4136G>T (p.Arg1379Leu)

Gene: IFT172 (intraflagellar transport 172; minus strand). Cytogenetic location: 2p23.3.
Variant type: single nucleotide variant.
Coding change: c.4136G>T on transcript NM_015662.3 (MANE Select); coding-DNA position 4136, G replaced by T.
Protein change: p.Arg1379Leu; replaces arginine 1379 with leucine.
Molecular consequence: missense variant.
Genome position (GRCh38, 1-based): chr2:27,449,715, C>A on the plus strand (G>T on the coding strand, the complement: IFT172 is on the minus strand). VCF-style: chr2-27449715-C-A. GRCh37 (hg19) VCF-style: chr2-27672582-C-A.
Other names: c.4136G>T (NM_015662.2); c.4070G>T, p.Arg1357Leu (NM_001410739.1); short protein forms R1379L, R1357L.
Identifiers: ClinVar variation 3586291 (VCV003586291.2).

ClinVar aggregate classification (germline): Uncertain significance. Review status: criteria provided, multiple submitters, no conflicts (2 of 4 stars). 2 submissions from 2 submitters: Uncertain significance (2). Last evaluated 2026-02-26.

Conditions:
Short-rib thoracic dysplasia 10 with or without polydactyly (SRTD10). Identifiers: Orphanet 474, MedGen C3810175, MONDO:0014284, OMIM 615630.
Bardet-Biedl syndrome 20. Identifiers: MedGen C4310707, MONDO:0023670, OMIM 619471, MONDO:0014926.
Retinitis pigmentosa 71 (RP71). Identifiers: Orphanet 791, MedGen C4225342, MONDO:0014618, OMIM 616394.
IFT172-related disorder. Also called: IFT172-related disorders; IFT172-related condition.

gnomAD v4.1: 6 of 1,613,608 alleles (0.00037%); highest among the groups gnomAD compares: African/African-American, 0.0013%; no homozygotes.

Submissions (2):

PreventionGenetics, part of Exact Sciences
Classification: Uncertain significance for IFT172-related condition. Last evaluated: 2026-02-26. Review status: criteria provided, single submitter. Criteria: ACMG Guidelines, 2015. Collection method: clinical testing. Allele origin: germline.
Comment: The IFT172 c.4136G>T variant is predicted to result in the amino acid substitution p.Arg1379Leu. To our knowledge, this variant has not been reported in the literature or in a large population database (gnomAD), indicating this variant is rare. At this time, the clinical significance of this variant is uncertain due to the absence of conclusive functional and genetic evidence.

Fulgent Genetics
Classification: Uncertain significance for Short-rib thoracic dysplasia 10 with or without polydactyly; Retinitis pigmentosa 71; Bardet-Biedl syndrome 20. Last evaluated: 2024-04-03. Review status: criteria provided, single submitter. Criteria: ACMG Guidelines, 2015. Collection method: clinical testing. Allele origin: germline.